The following is an entry in ClinVar:

ClinVar aggregate classification (germline): Uncertain significance. Review status: criteria provided, multiple submitters, no conflicts (2 of 4 stars). 3 submissions from 3 submitters: Uncertain significance (3). Last evaluated 2026-07-01.

Conditions:
Glycogen storage disease, type II (IOPD). Also called: CARDIOMEGALIA GLYCOGENICA DIFFUSA; GLYCOGENOSIS, GENERALIZED, CARDIAC FORM; GSD II; Glycogen storage disease type 2; Acid maltase deficiency disease; Aglucosidase alfa. Identifiers: Orphanet 365, MedGen C0017921, MONDO:0009290, OMIM 232300.

Submissions (3):

Genomenon, Inc
Classification: Uncertain significance for Glycogen storage disease, type II. Last evaluated: 2026-07-01. Review status: criteria provided, single submitter. Criteria: Genomenon Sequence Variant Interpretation Standards - Updated. Collection method: curation. Allele origin: germline. Affected: no.
Comment: GAA p.Pro684Gln (c.2051C>A) is a missense variant that changes the amino acid at codon 684 from Proline to Glutamine. This variant has been reported in the compound heterozygous and/or homozygous state in at least one individual without a confirmed diagnosis of Pompe disease (PMID:29451150). It is absent or not present at a significant frequency in gnomAD. In silico models predict that this variant is possibly or probably damaging. In conclusion, we classify GAA p.Pro684Gln (c.2051C>A) as a variant of uncertain significance.

Revvity Omics, Revvity
Classification: Uncertain significance. Last evaluated: 2023-08-21. Review status: criteria provided, single submitter. Criteria: ACMG Guidelines, 2015. Collection method: clinical testing. Allele origin: germline.

Women's Health and Genetics/Laboratory Corporation of America, LabCorp
Classification: Uncertain significance. Last evaluated: 2022-04-19. Review status: criteria provided, single submitter. Criteria: LabCorp Variant Classification Summary - May 2015. Collection method: clinical testing. Allele origin: germline.
Comment: Variant summary: GAA c.2051C>A (p.Pro684Gln) results in a non-conservative amino acid change in the encoded protein sequence. Five of five in-silico tools predict a damaging effect of the variant on protein function. The variant was absent in 224884 control chromosomes. The available data on variant occurrences in the general population are insufficient to allow any conclusion about variant significance. c.2051C>A has been reported in the literature as a compound heterozygous genotype in at-least one individual affected with late onset Glycogen Storage Disease, Type 2 (Pompe Disease), as a non-specified genotype in at-least one newborn and has been subsequently cited by others (example, Liu_2018, Momosaki_2019, de Faria_2019). These data do not allow any conclusion about variant significance. To our knowledge, no experimental evidence demonstrating an impact on protein function has been reported. No clinical diagnostic laboratories have submitted clinical-significance assessments for this variant to ClinVar after 2014. Based on the evidence outlined above, the variant was classified as uncertain significance.

Literature cited by the submitters: PubMed 29451150 (cited by Genomenon, Inc and Women's Health and Genetics/Laboratory Corporation of America, LabCorp); PubMed 31076647 (cited by Women's Health and Genetics/Laboratory Corporation of America, LabCorp); PubMed 33560568 (cited by Women's Health and Genetics/Laboratory Corporation of America, LabCorp).

NM_000152.5(GAA):c.2051C>A (p.Pro684Gln)

Gene: GAA (alpha glucosidase; plus strand). Cytogenetic location: 17q25.3.
Variant type: single nucleotide variant.
Coding change: c.2051C>A on transcript NM_000152.5 (MANE Select); coding-DNA position 2051, C replaced by A.
Protein change: p.Pro684Gln; replaces proline 684 with glutamine.
Molecular consequence: missense variant.
Genome position (GRCh38, 1-based): chr17:80,113,228, C>A. VCF-style: chr17-80113228-C-A. GRCh37 (hg19) VCF-style: chr17-78087027-C-A.
Other names: c.2051C>A, p.Pro684Gln (NM_001079803.3, NM_001079804.3); short protein forms P684Q.
Identifiers: ClinVar variation 1683224 (VCV001683224.3), dbSNP rs147327209, ClinGen allele CA401370338.
Genomic context (GRCh38, chr17:80,113,228, plus strand): 5'-ACCGCGGCCCCAGCACCCAAGTGCTTCCTTTGCCCCCGCCTGCCCTGCAGCCCCAGGAGC[C>A]GTACAGCTTCAGCGAGCCGGCCCAGCAGGCCATGAGGAAGGCCCTCACCCTGCGCTACGC-3'
Protein context (NP_000143.2, residues 674-694): HNSLLSLPQE[Pro684Gln]YSFSEPAQQA